The following is an entry in ClinVar:

ClinVar aggregate classification (germline): Conflicting classifications of pathogenicity. Review status: criteria provided, conflicting classifications (1 of 4 stars). 7 submissions from 7 submitters: Uncertain significance (4); Likely benign (3). Last evaluated 2026-01-29.

Conditions:
Hereditary breast ovarian cancer syndrome. Also called: Hereditary breast and ovarian cancer syndrome; Hereditary breast and ovarian cancer syndrome (HBOC); BRCA1- and BRCA2-Associated Hereditary Breast and Ovarian Cancer; Breast and ovarian cancer; Hereditary breast and ovarian cancer; Hereditary breast and/or ovarian cancer syndrome. Identifiers: Orphanet 145, MedGen C0677776, MeSH D061325, MONDO:0003582. Disease mechanism: loss of function.
Hereditary cancer-predisposing syndrome. Also called: Hereditary Cancer Syndrome; Hereditary neoplastic syndrome; Tumor predisposition; Neoplastic Syndromes, Hereditary. Identifiers: Orphanet 140162, MedGen C0027672, MeSH D009386, MONDO:0015356.
Breast-ovarian cancer, familial, susceptibility to, 1 (BROVCA1). Also called: OVARIAN CANCER, SUSCEPTIBILITY TO; BRCA1 Hereditary Breast and Ovarian Cancer. Identifiers: Orphanet 145, MedGen C2676676, MONDO:0011450, OMIM 604370. Disease mechanism: loss of function.

gnomAD v4.1: 1 of 1,614,110 alleles (0.000062%); highest among the groups gnomAD compares: Admixed American, 0.0017%; no homozygotes.

Submissions (7):

Myriad Genetics, Inc.
Classification: Likely benign for Breast-ovarian cancer, familial, susceptibility to, 1. Last evaluated: 2026-01-29. Review status: criteria provided, single submitter. Criteria: Myriad Autosomal Dominant, Autosomal Recessive and X-Linked Classification Criteria (2023). Collection method: clinical testing. Allele origin: unknown.
Comment: This variant is considered likely benign. This variant is strongly associated with less severe personal and family histories of cancer, typical for individuals without pathogenic variants in this gene [PMID: 25085752].

Women's Health and Genetics/Laboratory Corporation of America, LabCorp
Classification: Uncertain significance. Last evaluated: 2025-09-10. Review status: criteria provided, single submitter. Criteria: LabCorp Variant Classification Summary - May 2015. Collection method: clinical testing. Allele origin: germline.
Comment: Variant summary: BRCA1 c.1456T>A (p.Phe486Ile) results in a non-conservative amino acid change in the encoded protein sequence. Algorithms developed to predict the effect of missense changes on protein structure and function are either unavailable or do not agree on the potential impact of this missense change. The variant allele was found at a frequency of 4e-06 in 251292 control chromosomes. The available data on variant occurrences in the general population are insufficient to allow any conclusion about variant significance. c.1456T>A has been observed in individuals affected with breast cancer without strong evidence for causality (e.g., Zanella_2017, Cecener_2020, Alanazi_2020). These report(s) do not provide unequivocal conclusions about association of the variant with Hereditary Breast And Ovarian Cancer Syndrome. To our knowledge, no experimental evidence demonstrating an impact on protein function has been reported. The following publications have been ascertained in the context of this evaluation (PMID: 32994724, 31706072, 28263838). ClinVar contains an entry for this variant (Variation ID: 182090). Based on the evidence outlined above, the variant was classified as uncertain significance.

Ambry Genetics
Classification: Uncertain significance for Hereditary cancer-predisposing syndrome. Last evaluated: 2025-08-13. Review status: criteria provided, single submitter. Criteria: Ambry Variant Classification Scheme 2023. Collection method: clinical testing. Allele origin: germline.

Labcorp Genetics (formerly Invitae), Labcorp
Classification: Uncertain significance for Hereditary breast ovarian cancer syndrome. Last evaluated: 2025-08-07. Review status: criteria provided, single submitter. Criteria: Invitae Variant Classification Sherloc (09022015). Collection method: clinical testing. Allele origin: germline.
Comment: This sequence change replaces phenylalanine, which is neutral and non-polar, with isoleucine, which is neutral and non-polar, at codon 486 of the BRCA1 protein (p.Phe486Ile). This variant is present in population databases (rs55906931, gnomAD 0.003%). This missense change has been observed in individual(s) with clinical features of hereditary breast and ovarian cancer syndrome (PMID: 28263838). ClinVar contains an entry for this variant (Variation ID: 182090). Invitae Evidence Modeling of protein sequence and biophysical properties (such as structural, functional, and spatial information, amino acid conservation, physicochemical variation, residue mobility, and thermodynamic stability) indicates that this missense variant is not expected to disrupt BRCA1 protein function with a negative predictive value of 80%. In summary, the available evidence is currently insufficient to determine the role of this variant in disease. Therefore, it has been classified as a Variant of Uncertain Significance.

All of Us Research Program, National Institutes of Health
Classification: Uncertain significance for Breast-ovarian cancer, familial, susceptibility to, 1. Last evaluated: 2023-06-28. Review status: criteria provided, single submitter. Criteria: ACMG Guidelines, 2015. Collection method: clinical testing. Allele origin: germline. Inheritance: Autosomal dominant inheritance. Observed: 1 variant allele, 1 heterozygote.
Comment: This study involves interpretation of variants in research participants for the purpose of population health screening. Participant phenotype was not available at the time of variant classification. Additional details can be found in publication PMID: 35346344, PMCID: PMC8962531

University of Washington Department of Laboratory Medicine, University of Washington
Classification: Likely benign for Hereditary cancer-predisposing syndrome. Last evaluated: 2023-03-23. Review status: criteria provided, single submitter. Criteria: Dines et al. (Genet Med. 2020). Collection method: curation. Allele origin: germline.
Comment: Missense variant in a coldspot region where missense variants are very unlikely to be pathogenic (PMID:31911673).

BRCA1 coldspot (exon 11 using historical exon numbering). Reclassification based on statistical prior probability

GeneDx
Classification: Likely benign. Last evaluated: 2014-08-22. Review status: criteria provided, single submitter. Criteria: GeneDx Variant Classification (06012015). Collection method: clinical testing. Allele origin: germline. Affected: yes.
Comment: This variant is considered likely benign or benign based on one or more of the following criteria: it is a conservative change, it occurs at a poorly conserved position in the protein, it is predicted to be benign by multiple in silico algorithms, and/or has population frequency not consistent with disease.

Literature cited by the submitters: PubMed 25085752 (cited by Myriad Genetics, Inc.); PubMed 28263838 (cited by Women's Health and Genetics/Laboratory Corporation of America, LabCorp and Labcorp Genetics (formerly Invitae), Labcorp); PubMed 31706072 (cited by Women's Health and Genetics/Laboratory Corporation of America, LabCorp); PubMed 32994724 (cited by Women's Health and Genetics/Laboratory Corporation of America, LabCorp).

NM_007294.4(BRCA1):c.1456T>A (p.Phe486Ile)

Gene: BRCA1 (BRCA1 DNA repair associated; minus strand). Cytogenetic location: 17q21.31.
Variant type: single nucleotide variant.
Coding change: c.1456T>A on transcript NM_007294.4 (MANE Select); coding-DNA position 1456, T replaced by A.
Protein change: p.Phe486Ile; replaces phenylalanine 486 with isoleucine.
Molecular consequence: missense variant. On other transcripts: intron variant (137).
Genome position (GRCh38, 1-based): chr17:43,094,075, A>T on the plus strand (T>A on the coding strand, the complement: BRCA1 is on the minus strand). VCF-style: chr17-43094075-A-T. GRCh37 (hg19) VCF-style: chr17-41246092-A-T.
Other names: p.F486I:TTT>ATT; c.1243T>A, p.Phe415Ile (NM_001407571.1, NM_001407915.1, NM_001407916.1 and 9 more transcripts); c.1456T>A, p.Phe486Ile (NM_001407581.1, NM_001407582.1, NM_001407583.1 and 30 more transcripts); c.1453T>A, p.Phe485Ile (NM_001407587.1, NM_001407590.1, NM_001407591.1 and 22 more transcripts); c.1378T>A, p.Phe460Ile (NM_001407654.1, NM_001407655.1, NM_001407656.1 and 4 more transcripts); c.1375T>A, p.Phe459Ile (NM_001407659.1, NM_001407660.1, NM_001407661.1 and 1 more transcripts); c.1330T>A, p.Phe444Ile (NM_001407673.1, NM_001407649.1, NM_001407670.1 and 11 more transcripts); c.1333T>A, p.Phe445Ile (NM_001407674.1, NM_001407675.1, NM_001407676.1 and 19 more transcripts); and 41 more; short protein forms F486I, F439I, F375I, F415I, F418I, F438I, F483I, F374I.
Identifiers: ClinVar variation 182090 (VCV000182090.24), dbSNP rs55906931, ClinGen allele CA000975.